The following is an entry in ClinVar:

ClinVar aggregate classification (germline): Uncertain significance (1 of 4 stars; one submission).

Conditions:
Pyridoxal phosphate-responsive seizures (PNPOD). Also called: Pyridoxamine 5-Prime-Phosphate Oxidase Deficiency; Pyridoxine-5'-phosphate oxidase deficiency; EPILEPTIC ENCEPHALOPATHY, NEONATAL, PNPO-RELATED; SEIZURES, PYRIDOXINE-RESISTANT, PLP-SENSITIVE; Pyridoxal 5'-Phosphate (PLP)-Dependent Epilepsy. Identifiers: Orphanet 79096, MedGen C1864723, MONDO:0012407, OMIM 610090. Disease mechanism: loss of function.

Submission:

Labcorp Genetics (formerly Invitae), Labcorp
Classification: Uncertain significance for Pyridoxal phosphate-responsive seizures. Last evaluated: 2022-06-08. Review status: criteria provided, single submitter. Criteria: Invitae Variant Classification Sherloc (09022015). Collection method: clinical testing. Allele origin: germline.
Comment: This variant has not been reported in the literature in individuals affected with PNPO-related conditions. In summary, the available evidence is currently insufficient to determine the role of this variant in disease. Therefore, it has been classified as a Variant of Uncertain Significance. Algorithms developed to predict the effect of missense changes on protein structure and function are either unavailable or do not agree on the potential impact of this missense change (SIFT: "Deleterious"; PolyPhen-2: "Probably Damaging"; Align-GVGD: "Class C0"). This variant is not present in population databases (gnomAD no frequency). This sequence change replaces cysteine, which is neutral and slightly polar, with arginine, which is basic and polar, at codon 82 of the PNPO protein (p.Cys82Arg).

NM_018129.4(PNPO):c.244T>C (p.Cys82Arg)

Gene: PNPO (pyridoxamine 5'-phosphate oxidase; plus strand). Cytogenetic location: 17q21.32.
Variant type: single nucleotide variant.
Coding change: c.244T>C on transcript NM_018129.4 (MANE Select); coding-DNA position 244, T replaced by C.
Protein change: p.Cys82Arg; replaces cysteine 82 with arginine.
Molecular consequence: missense variant.
Genome position (GRCh38, 1-based): chr17:47,943,411, T>C. VCF-style: chr17-47943411-T-C. GRCh37 (hg19) VCF-style: chr17-46020777-T-C.
Other names: short protein forms C82R.
Identifiers: ClinVar variation 2003371 (VCV002003371.4), dbSNP rs2509290372, ClinGen allele CA400056498.